The following is an entry in ClinVar:

ClinVar aggregate classification (germline): Uncertain significance (1 of 4 stars; one submission).

Conditions:
Familial thoracic aortic aneurysm and aortic dissection (TAAD). Also called: Thoracic aortic aneurysms and dissections. Identifiers: Orphanet 91387, MedGen C4707243, MONDO:0019625.

Allele frequency attached by ClinVar (database versions not stated): ExAC 0.00001; TOPMed 0.00001.

Submission:

Ambry Genetics
Classification: Uncertain significance for Familial thoracic aortic aneurysm and aortic dissection. Last evaluated: 2021-11-19. Review status: criteria provided, single submitter. Criteria: Ambry Variant Classification Scheme 2023. Collection method: clinical testing. Allele origin: germline.
Comment: The p.R453G variant (also known as c.1357C>G), located in coding exon 4 of the SKI gene, results from a C to G substitution at nucleotide position 1357. The arginine at codon 453 is replaced by glycine, an amino acid with dissimilar properties. This amino acid position is conserved. In addition, the in silico prediction for this alteration is inconclusive. Since supporting evidence is limited at this time, the clinical significance of this alteration remains unclear.

NM_003036.4(SKI):c.1357C>G (p.Arg453Gly)

Gene: SKI (SKI proto-oncogene; plus strand). Cytogenetic location: 1p36.32.
Variant type: single nucleotide variant.
Coding change: c.1357C>G on transcript NM_003036.4 (MANE Select); coding-DNA position 1357, C replaced by G.
Protein change: p.Arg453Gly; replaces arginine 453 with glycine.
Molecular consequence: missense variant.
Genome position (GRCh38, 1-based): chr1:2,303,985, C>G. VCF-style: chr1-2303985-C-G. GRCh37 (hg19) VCF-style: chr1-2235424-C-G.
Other names: short protein forms R453G.
Identifiers: ClinVar variation 1770725 (VCV001770725.2), dbSNP rs745779877, ClinGen allele CA536686.